The following is an entry in ClinVar:

NM_001127208.3(TET2):c.2909C>T (p.Thr970Ile)

Genes: TET2 (tet methylcytosine dioxygenase 2; plus strand), TET2-AS1 (TET2 antisense RNA 1; minus strand). Cytogenetic location: 4q24.
Variant type: single nucleotide variant.
Coding change: c.2909C>T on transcript NM_001127208.3 (MANE Select); coding-DNA position 2909, C replaced by T.
Protein change: p.Thr970Ile; replaces threonine 970 with isoleucine.
Molecular consequence: missense variant.
Genome position (GRCh38, 1-based): chr4:105,236,851, C>T. VCF-style: chr4-105236851-C-T. GRCh37 (hg19) VCF-style: chr4-106158008-C-T.
Other names: c.2909C>T, p.Thr970Ile (NM_017628.4); short protein forms T970I.
Identifiers: ClinVar variation 4182936 (VCV004182936.1).

ClinVar aggregate classification (germline): Uncertain significance (1 of 4 stars; one submission).

Submission:

Ambry Genetics
Classification: Uncertain significance. Last evaluated: 2025-06-25. Review status: criteria provided, single submitter. Criteria: Ambry Variant Classification Scheme 2023. Collection method: clinical testing. Allele origin: germline.
Comment: The p.T970I variant (also known as c.2909C>T), located in coding exon 1 of the TET2 gene, results from a C to T substitution at nucleotide position 2909. The threonine at codon 970 is replaced by isoleucine, an amino acid with similar properties. This amino acid position is conserved. In addition, this alteration is predicted to be tolerated by in silico analysis. Based on the available evidence, the clinical significance of this variant remains unclear.